The following is an entry in ClinVar:

NM_201384.3(PLEC):c.4525C>T (p.Arg1509Cys)

Gene: PLEC (plectin; minus strand). Cytogenetic location: 8q24.3.
Variant type: single nucleotide variant.
Coding change: c.4525C>T on transcript NM_201384.3 (MANE Select); coding-DNA position 4525, C replaced by T.
Protein change: p.Arg1509Cys; replaces arginine 1509 with cysteine.
Molecular consequence: missense variant.
Genome position (GRCh38, 1-based): chr8:143,925,404, G>A on the plus strand (C>T on the coding strand, the complement: PLEC is on the minus strand). VCF-style: chr8-143925404-G-A. GRCh37 (hg19) VCF-style: chr8-144999572-G-A.
Other names: c.4606C>T, p.Arg1536Cys (NM_000445.5); c.4483C>T, p.Arg1495Cys (NM_201378.4); c.4459C>T, p.Arg1487Cys (NM_201379.3); c.4936C>T, p.Arg1646Cys (NM_201380.4); c.4429C>T, p.Arg1477Cys (NM_201381.3); c.4525C>T, p.Arg1509Cys (NM_201382.4); c.4537C>T, p.Arg1513Cys (NM_201383.3); c.4606C>T (NM_000445.3); short protein forms R1477C, R1495C, R1536C, R1487C, R1646C, R1509C, R1513C.
Identifiers: ClinVar variation 285551 (VCV000285551.11), dbSNP rs868970949, ClinGen allele CA10605152.
Genomic context (GRCh38, chr8:143,925,404, plus strand): 5'-GCGCCGCCTCGGCCTCGGCCTTCACGCGCGAGGCCAGCTCCACCTCCGCCTGCCGCTTAC[G>A]CTGGCTCTCGTCCTGCACCTGCCTCCGCAAGCGCTCGGCCTCCTCCTGCGCCTGTCGCTT-3'
Protein context (NP_958786.1, residues 1499-1519): LRRQVQDESQ[Arg1509Cys]KRQAEVELAS

ClinVar aggregate classification (germline): Uncertain significance. Review status: criteria provided, multiple submitters, no conflicts (2 of 4 stars). 3 submissions from 3 submitters: Uncertain significance (3). Last evaluated 2025-06-10.

Conditions:
Epidermolysis bullosa simplex 5C, with pyloric atresia (EBS5C). Also called: Epidermolysis bullosa simplex with pyloric atresia; PLEC-Related Epidermolysis Bullosa with Pyloric Atresia; PLEC1-Related Epidermolysis Bullosa with Pyloric Atresia. Identifiers: Orphanet 158684, MedGen C2677349, MONDO:0012807, OMIM 612138.
Autosomal recessive limb-girdle muscular dystrophy type 2Q (LGMDR17). Also called: MUSCULAR DYSTROPHY, LIMB-GIRDLE, AUTOSOMAL RECESSIVE 17. Identifiers: Orphanet 254361, MedGen C3150989, MONDO:0013390, OMIM 613723.
Epidermolysis bullosa simplex, Ogna type (EBS5A). Also called: Pidermolysis bullosa simplex 5A, Ogna type; EPIDERMOLYSIS BULLOSA SIMPLEX 5A, OGNA TYPE. Identifiers: Orphanet 79401, MedGen C0432317, MONDO:0007555, OMIM 131950.
Epidermolysis bullosa simplex 5B, with muscular dystrophy (EBS5B). Also called: Epidermolysis bullosa simplex with muscular dystrophy; EPIDERMOLYSIS BULLOSA SIMPLEX AND LIMB-GIRDLE MUSCULAR DYSTROPHY. Identifiers: Orphanet 257, MedGen C2931072, MONDO:0009181, OMIM 226670.
Epidermolysis bullosa simplex with nail dystrophy (EBS5D). Identifiers: MedGen C4225309, MONDO:0014661, OMIM 616487.
Inborn genetic diseases. Identifiers: MedGen C0950123, MeSH D030342.

Allele frequency attached by ClinVar (database versions not stated): gnomAD exomes below 0.00001; gnomAD 0.00001; TOPMed 0.00001.
gnomAD v4.1: 24 of 1,589,916 alleles (0.0015%); highest among the groups gnomAD compares: Middle Eastern, 0.068%; 1 homozygote.

Submissions (3):

Labcorp Genetics (formerly Invitae), Labcorp
Classification: Uncertain significance for Autosomal recessive limb-girdle muscular dystrophy type 2Q; Epidermolysis bullosa simplex, Ogna type; Epidermolysis bullosa simplex with nail dystrophy; Epidermolysis bullosa simplex 5C, with pyloric atresia; Epidermolysis bullosa simplex 5B, with muscular dystrophy. Last evaluated: 2025-06-10. Review status: criteria provided, single submitter. Criteria: Invitae Variant Classification Sherloc (09022015). Collection method: clinical testing. Allele origin: germline.
Comment: This sequence change replaces arginine, which is basic and polar, with cysteine, which is neutral and slightly polar, at codon 1536 of the PLEC protein (p.Arg1536Cys). This variant is present in population databases (no rsID available, gnomAD 0.001%). This variant has not been reported in the literature in individuals affected with PLEC-related conditions. ClinVar contains an entry for this variant (Variation ID: 285551). Invitae Evidence Modeling of protein sequence and biophysical properties (such as structural, functional, and spatial information, amino acid conservation, physicochemical variation, residue mobility, and thermodynamic stability) indicates that this missense variant is not expected to disrupt PLEC protein function with a negative predictive value of 80%. In summary, the available evidence is currently insufficient to determine the role of this variant in disease. Therefore, it has been classified as a Variant of Uncertain Significance.

Ambry Genetics
Classification: Uncertain significance for Inborn genetic diseases. Last evaluated: 2024-11-21. Review status: criteria provided, single submitter. Criteria: Ambry Variant Classification Scheme 2023. Collection method: clinical testing. Allele origin: germline.

Eurofins Ntd Llc (ga)
Classification: Uncertain significance. Last evaluated: 2016-02-01. Review status: criteria provided, single submitter. Criteria: EGL Classification Definitions 2015. Collection method: clinical testing. Allele origin: germline. Observed: 1 variant allele, 1 heterozygote.